The following is an entry in ClinVar:

ClinVar aggregate classification (germline): Uncertain significance (1 of 4 stars; one submission).

Conditions:
Inborn genetic diseases. Identifiers: MedGen C0950123, MeSH D030342.

gnomAD v4.1: 1 of 1,614,134 alleles (0.000062%); highest among the groups gnomAD compares: South Asian, 0.0011%; no homozygotes.

Submission:

Ambry Genetics
Classification: Uncertain significance for Inborn genetic diseases. Last evaluated: 2026-07-19. Review status: criteria provided, single submitter. Criteria: Ambry Variant Classification Scheme 2023. Collection method: clinical testing. Allele origin: germline.
Comment: The p.Q592H variant (also known as c.1776G>C), located in coding exon 13 of the ASXL1 gene, results from a G to C substitution at nucleotide position 1776. The glutamine at codon 592 is replaced by histidine, an amino acid with highly similar properties. This amino acid position is conserved. In addition, this alteration is predicted to be tolerated by in silico analysis. Based on the available evidence, the clinical significance of this variant remains unclear.

NM_015338.6(ASXL1):c.1776G>C (p.Gln592His)

Gene: ASXL1 (ASXL transcriptional regulator 1; plus strand). Cytogenetic location: 20q11.21.
Variant type: single nucleotide variant.
Coding change: c.1776G>C on transcript NM_015338.6 (MANE Select); coding-DNA position 1776, G replaced by C.
Protein change: p.Gln592His; replaces glutamine 592 with histidine.
Molecular consequence: missense variant.
Genome position (GRCh38, 1-based): chr20:32,434,488, G>C. VCF-style: chr20-32434488-G-C. GRCh37 (hg19) VCF-style: chr20-31022291-G-C.
Other names: c.1593G>C, p.Gln531His (NM_001363734.1); short protein forms Q531H, Q592H.
Identifiers: ClinVar variation 5029968 (VCV005029968.1).